The following is an entry in ClinVar:

ClinVar aggregate classification (germline): Uncertain significance (1 of 4 stars; one submission).

Allele frequency attached by ClinVar (database versions not stated): TOPMed 0.00001; gnomAD 0.00005.
gnomAD v4.1: 8 of 1,613,970 alleles (0.0005%); highest among the groups gnomAD compares: African/African-American, 0.011%; no homozygotes.

Submission:

Labcorp Genetics (formerly Invitae), Labcorp
Classification: Uncertain significance. Last evaluated: 2023-03-14. Review status: criteria provided, single submitter. Criteria: Invitae Variant Classification Sherloc (09022015). Collection method: clinical testing. Allele origin: germline.
Comment: This variant is present in population databases (no rsID available, gnomAD 0.02%). In summary, the available evidence is currently insufficient to determine the role of this variant in disease. Therefore, it has been classified as a Variant of Uncertain Significance. An algorithm developed to predict the effect of missense changes on protein structure and function (PolyPhen-2) suggests that this variant is likely to be tolerated. This variant has not been reported in the literature in individuals affected with TFRC-related conditions. This sequence change replaces threonine, which is neutral and polar, with serine, which is neutral and polar, at codon 70 of the TFRC protein (p.Thr70Ser).

NM_001128148.3(TFRC):c.209C>G (p.Thr70Ser)

Gene: TFRC (transferrin receptor; minus strand). Cytogenetic location: 3q29.
Variant type: single nucleotide variant.
Coding change: c.209C>G on transcript NM_001128148.3 (MANE Select); coding-DNA position 209, C replaced by G.
Protein change: p.Thr70Ser; replaces threonine 70 with serine.
Molecular consequence: missense variant. On other transcripts: intron variant (2).
Genome position (GRCh38, 1-based): chr3:196,075,188, G>C on the plus strand (C>G on the coding strand, the complement: TFRC is on the minus strand). VCF-style: chr3-196075188-G-C. GRCh37 (hg19) VCF-style: chr3-195802059-G-C.
Other names: c.209C>G, p.Thr70Ser (NM_003234.4); c.-413+1876C>G (NM_001313966.2); c.-5-1063C>G (NM_001313965.2); short protein forms T70S.
Identifiers: ClinVar variation 2897193 (VCV002897193.3), dbSNP rs1015007364, ClinGen allele CA90761903.